The following is an entry in ClinVar:

ClinVar aggregate classification (germline): Uncertain significance (1 of 4 stars; one submission).

Conditions:
Tatton-Brown-Rahman overgrowth syndrome. Also called: Tall stature-intellectual disability-facial dysmorphism syndrome; Tatton-Brown-Rahman syndrome. Identifiers: Orphanet 404443, MedGen C4014545, MONDO:0014382, OMIM 615879.

gnomAD v4.1: 1 of 1,610,800 alleles (0.000062%); highest among the groups gnomAD compares: Non-Finnish European, 0.000085%; no homozygotes.

Submission:

Labcorp Genetics (formerly Invitae), Labcorp
Classification: Uncertain significance for Tatton-Brown-Rahman overgrowth syndrome. Last evaluated: 2024-06-26. Review status: criteria provided, single submitter. Criteria: Invitae Variant Classification Sherloc (09022015). Collection method: clinical testing. Allele origin: germline.
Comment: This sequence change replaces alanine, which is neutral and non-polar, with threonine, which is neutral and polar, at codon 571 of the DNMT3A protein (p.Ala571Thr). This variant is not present in population databases (gnomAD no frequency). This variant has not been reported in the literature in individuals affected with DNMT3A-related conditions. Advanced modeling of protein sequence and biophysical properties (such as structural, functional, and spatial information, amino acid conservation, physicochemical variation, residue mobility, and thermodynamic stability) performed at Invitae indicates that this missense variant is not expected to disrupt DNMT3A protein function with a negative predictive value of 80%. In summary, the available evidence is currently insufficient to determine the role of this variant in disease. Therefore, it has been classified as a Variant of Uncertain Significance.

NM_022552.5(DNMT3A):c.1711G>A (p.Ala571Thr)

Gene: DNMT3A (DNA methyltransferase 3 alpha; minus strand). Cytogenetic location: 2p23.3.
Variant type: single nucleotide variant.
Coding change: c.1711G>A on transcript NM_022552.5 (MANE Select); coding-DNA position 1711, G replaced by A.
Protein change: p.Ala571Thr; replaces alanine 571 with threonine.
Molecular consequence: missense variant. On other transcripts: non-coding transcript variant (1).
Genome position (GRCh38, 1-based): chr2:25,244,295, C>T on the plus strand (G>A on the coding strand, the complement: DNMT3A is on the minus strand). VCF-style: chr2-25244295-C-T. GRCh37 (hg19) VCF-style: chr2-25467164-C-T.
Other names: c.1255G>A, p.Ala419Thr (NM_001320893.1); c.1042G>A, p.Ala348Thr (NM_001375819.1); c.1144G>A, p.Ala382Thr (NM_153759.3); c.1711G>A, p.Ala571Thr (NM_175629.2); short protein forms A382T, A571T, A348T, A419T.
Identifiers: ClinVar variation 3657928 (VCV003657928.2).